The following is an entry in ClinVar:

ClinVar aggregate classification (germline): Pathogenic (1 of 4 stars; one submission).

Conditions:
Neurodevelopmental disorder with nonspecific brain abnormalities and with or without seizures. Identifiers: MedGen C5231470, MONDO:0032877, OMIM 618709.

Submission:

Laboratoire Génétique Moléculaire, CHRU TOURS
Classification: Pathogenic for Neurodevelopmental disorder with nonspecific brain abnormalities and with or without seizures. Last evaluated: 2025-02-21. Review status: criteria provided, single submitter. Criteria: ACMG Guidelines, 2015. Collection method: clinical testing. Allele origin: de novo. Affected: yes.
Comment: PVS1;PS2;PM2

NM_005618.4(DLL1):c.1143C>A (p.Cys381Ter)

Gene: DLL1 (delta like canonical Notch ligand 1; minus strand). Cytogenetic location: 6q27.
Variant type: single nucleotide variant.
Coding change: c.1143C>A on transcript NM_005618.4 (MANE Select); coding-DNA position 1143, C replaced by A.
Protein change: p.Cys381Ter; replaces cysteine 381 with a stop codon.
Molecular consequence: nonsense.
Genome position (GRCh38, 1-based): chr6:170,285,025, G>T on the plus strand (C>A on the coding strand, the complement: DLL1 is on the minus strand). VCF-style: chr6-170285025-G-T. GRCh37 (hg19) VCF-style: chr6-170594113-G-T.
Other names: short protein forms C381*.
Identifiers: ClinVar variation 4294392 (VCV004294392.1).
Genomic context (GRCh38, chr6:170,285,025, plus strand): 5'-GTTGAAGCCGGAGTAGCCCACGGGGCAGCGGCAGCTGTACCCTCCATCGGGGCTGTCTGA[G>T]CACCGACCCCCGTTAAAGCAAGGGCCGTCCGCACAGGTCATGGCACTCAATTCACAGATT-3'